The following is an entry in ClinVar:

NM_002234.4(KCNA5):c.380_381delinsTT (p.Ser127Phe)

Gene: KCNA5 (potassium voltage-gated channel subfamily A member 5; plus strand). Cytogenetic location: 12p13.32.
Variant type: Indel.
Coding change: c.380_381delinsTT on transcript NM_002234.4 (MANE Select); coding-DNA positions 380 to 381, CC replaced by TT.
Protein change: p.Ser127Phe; replaces serine 127 with phenylalanine.
Molecular consequence: missense variant.
Genome position (GRCh38, 1-based): chr12:5,044,527-5,044,528, CC replaced by TT. VCF-style: chr12-5044527-CC-TT. GRCh37 (hg19) VCF-style: chr12-5153693-CC-TT.
Other names: short protein forms S127F.
Identifiers: ClinVar variation 1302378 (VCV001302378.2), dbSNP rs2137771732, ClinGen allele CA2573053694.

ClinVar aggregate classification (germline): Uncertain significance (1 of 4 stars; one submission).

Submission:

GeneDx
Classification: Uncertain significance. Last evaluated: 2019-09-20. Review status: criteria provided, single submitter. Criteria: GeneDx Variant Classification Process June 2021. Collection method: clinical testing. Allele origin: germline. Affected: yes.
Comment: Has not been previously published as pathogenic or benign to our knowledge; Not observed at a significant frequency in large population cohorts (Lek et al., 2016); In silico analysis, which includes protein predictors and evolutionary conservation, supports a deleterious effect